The following is an entry in ClinVar:

NM_003002.4(SDHD):c.53-17A>G

Gene: SDHD (succinate dehydrogenase complex subunit D; plus strand). Cytogenetic location: 11q23.1.
Variant type: single nucleotide variant.
Coding change: c.53-17A>G on transcript NM_003002.4 (MANE Select); 17 bases into the intron before coding-DNA position 53, A replaced by G.
Molecular consequence: intron variant.
Genome position (GRCh38, 1-based): chr11:112,087,840, A>G. VCF-style: chr11-112087840-A-G. GRCh37 (hg19) VCF-style: chr11-111958564-A-G.
Other names: c.53-17A>G (NM_001276506.2, NM_001276503.2); c.52+881A>G (NM_001276504.2).
Identifiers: ClinVar variation 1533203 (VCV001533203.9), dbSNP rs1166658454, ClinGen allele CA601744753.

ClinVar aggregate classification (germline): Likely benign. Review status: criteria provided, multiple submitters, no conflicts (2 of 4 stars). 2 submissions from 2 submitters: Likely benign (2). Last evaluated 2025-07-24.

Conditions:
Pheochromocytoma/paraganglioma syndrome 1. Also called: PARAGANGLIOMATA; Paraganglioma - glomus jugulare; SDHD-Related Hereditary Paraganglioma-Pheochromocytoma Syndrome; PARAGANGLIOMAS, FAMILIAL NONCHROMAFFIN, 1; PGL 1; Paragangliomas 1. Identifiers: Orphanet 29072, MedGen C3494181, MONDO:0008192, OMIM 168000.
Carney-Stratakis syndrome. Also called: PARAGANGLIOMA AND GASTROINTESTINAL STROMAL TUMOR. Identifiers: Orphanet 97286, MedGen C1847319, MONDO:0011740, OMIM 606864.
Pheochromocytoma. Also called: MAX-Related Hereditary Paraganglioma-Pheochromocytoma Syndrome. Identifiers: Orphanet 29072, MedGen C0031511, MONDO:0008233, OMIM 171300, HP:0002666.
Paragangliomas with sensorineural hearing loss. Identifiers: MedGen C1868633.
Cowden syndrome 3 (CWS3). Identifiers: Orphanet 201, MedGen CN166604, MONDO:0014045.

Allele frequency attached by ClinVar (database versions not stated): gnomAD exomes below 0.00001; TOPMed below 0.00001.
gnomAD v4.1: 2 of 1,538,568 alleles (0.00013%); highest among the groups gnomAD compares: Non-Finnish European, 0.00018%; no homozygotes.

Submissions (2):

Labcorp Genetics (formerly Invitae), Labcorp
Classification: Likely benign for Carney-Stratakis syndrome; Paragangliomas with sensorineural hearing loss; Pheochromocytoma; Cowden syndrome 3. Last evaluated: 2025-07-24. Review status: criteria provided, single submitter. Criteria: Invitae Variant Classification Sherloc (09022015). Collection method: clinical testing. Allele origin: germline.

Myriad Genetics, Inc.
Classification: Likely benign for Pheochromocytoma/paraganglioma syndrome 1. Last evaluated: 2025-03-17. Review status: criteria provided, single submitter. Criteria: Myriad Autosomal Dominant, Autosomal Recessive and X-Linked Classification Criteria (2023). Collection method: clinical testing. Allele origin: unknown.
Comment: This variant is considered likely benign. This variant is intronic and is not expected to impact mRNA splicing.